The following is an entry in ClinVar:

NM_000821.7(GGCX):c.2137del (p.Leu713fs)

Gene: GGCX (gamma-glutamyl carboxylase; minus strand). Cytogenetic location: 2p11.2.
Variant type: Deletion.
Coding change: c.2137del on transcript NM_000821.7 (MANE Select); coding-DNA position 2137, one base deleted (C; older notation c.2137delC).
Protein change: p.Leu713fs; shifts the reading frame from leucine 713.
Molecular consequence: frameshift variant.
Genome position (GRCh38, 1-based): chr2:85,550,074, G deleted on the plus strand (C on the coding strand, the reverse complement: GGCX is on the minus strand); the first of 3 consecutive G bases (chr2:85,550,074-85,550,076); deleting any one gives the same sequence. VCF-style (leftmost placement, unchanged base first): chr2-85550073-AG-A. GRCh37 (hg19) VCF-style: chr2-85777196-AG-A.
Other names: c.1966del, p.Leu656fs (NM_001142269.4); short protein forms L656fs, L713fs.
Identifiers: ClinVar variation 5019744 (VCV005019744.2).

ClinVar aggregate classification (germline): Uncertain significance (1 of 4 stars; one submission).

Conditions:
Body skin hyperlaxity due to vitamin K-dependent coagulation factor deficiency (PXECD). Also called: PXE-LIKE DISORDER WITH MULTIPLE COAGULATION FACTOR DEFICIENCY; PSEUDOXANTHOMA ELASTICUM-LIKE DISORDER WITH MULTIPLE COAGULATION FACTOR DEFICIENCY; PXE-like disorder. Identifiers: Orphanet 91135, MedGen C1835813, MONDO:0012570, OMIM 610842.
Vitamin K-dependent clotting factors, combined deficiency of, type 1. Also called: VITAMIN K-DEPENDENT COAGULATION DEFECT; FACTORS II, VII, IX, AND X, COMBINED DEFICIENCY OF; FAMILIAL MULTIPLE COAGULATION FACTOR DEFICIENCY III; FMFD III; GLUTAMIC ACID, DEFICIENT GAMMA-CARBOXYLATION OF; MULTIPLE COAGULATION FACTOR DEFICIENCY III. Identifiers: Orphanet 98434, MedGen C1848534, MONDO:0010187, OMIM 277450.

Submission:

Juno Genomics, Hangzhou Juno Genomics, Inc
Classification: Uncertain significance for Body skin hyperlaxity due to vitamin K-dependent coagulation factor deficiency; Vitamin K-dependent clotting factors, combined deficiency of, type 1. Review status: criteria provided, single submitter. Criteria: ACMG Guidelines, 2015. Collection method: clinical testing. Allele origin: germline.
Comment: Absent from controls (or at extremely low frequency if recessive) in Genome Aggregation Database.;Null variant in a gene where loss of function (LOF) is a known mechanism of disease.